The following is an entry in ClinVar:

NM_001364905.1(LRBA):c.2393A>T (p.Gln798Leu)

Gene: LRBA (LPS responsive beige-like anchor protein; minus strand). Cytogenetic location: 4q31.3.
Variant type: single nucleotide variant.
Coding change: c.2393A>T on transcript NM_001364905.1 (MANE Select); coding-DNA position 2393, A replaced by T.
Protein change: p.Gln798Leu; replaces glutamine 798 with leucine.
Molecular consequence: missense variant.
Genome position (GRCh38, 1-based): chr4:150,870,581, T>A on the plus strand (A>T on the coding strand, the complement: LRBA is on the minus strand). VCF-style: chr4-150870581-T-A. GRCh37 (hg19) VCF-style: chr4-151791733-T-A.
Other names: c.2393A>T, p.Gln798Leu (NM_001367550.1, NM_006726.5, NM_001199282.3); short protein forms Q798L.
Identifiers: ClinVar variation 3682752 (VCV003682752.2).

ClinVar aggregate classification (germline): Uncertain significance (1 of 4 stars; one submission).

Conditions:
Combined immunodeficiency due to LRBA deficiency. Also called: Common variable immunodeficiency 8, with autoimmunity. Identifiers: Orphanet 445018, MedGen C3553512, MONDO:0013863, OMIM 614700.

Submission:

Labcorp Genetics (formerly Invitae), Labcorp
Classification: Uncertain significance for Combined immunodeficiency due to LRBA deficiency. Last evaluated: 2024-05-02. Review status: criteria provided, single submitter. Criteria: Invitae Variant Classification Sherloc (09022015). Collection method: clinical testing. Allele origin: germline.
Comment: This sequence change replaces glutamine, which is neutral and polar, with leucine, which is neutral and non-polar, at codon 798 of the LRBA protein (p.Gln798Leu). This variant is not present in population databases (gnomAD no frequency). This variant has not been reported in the literature in individuals affected with LRBA-related conditions. Advanced modeling of protein sequence and biophysical properties (such as structural, functional, and spatial information, amino acid conservation, physicochemical variation, residue mobility, and thermodynamic stability) performed at Invitae indicates that this missense variant is expected to disrupt LRBA protein function with a positive predictive value of 80%. In summary, the available evidence is currently insufficient to determine the role of this variant in disease. Therefore, it has been classified as a Variant of Uncertain Significance.